The following is an entry in ClinVar:

ClinVar aggregate classification (germline): Pathogenic. Review status: criteria provided, multiple submitters, no conflicts (2 of 4 stars). 2 submissions from 2 submitters: Pathogenic (2). Last evaluated 2024-02-02.

Conditions:
Symmetrical dyschromatosis of extremities (DSH). Also called: Dyschromatosis symmetrica hereditaria; DYSCHROMATOSIS SYMMETRICA HEREDITARIA 1; RETICULATE ACROPIGMENTATION OF DOHI; SYMMETRIC DYSCHROMATOSIS OF THE EXTREMITIES. Identifiers: Orphanet 41, MedGen C0406775, MONDO:0007483, OMIM 127400.
Aicardi-Goutieres syndrome 6 (AGS6). Identifiers: Orphanet 51, MedGen C3539013, MONDO:0014007, OMIM 615010.

Submissions (2):

Labcorp Genetics (formerly Invitae), Labcorp
Classification: Pathogenic for Aicardi-Goutieres syndrome 6; Symmetrical dyschromatosis of extremities. Last evaluated: 2024-02-02. Review status: criteria provided, single submitter. Criteria: Invitae Variant Classification Sherloc (09022015). Collection method: clinical testing. Allele origin: germline.
Comment: This sequence change creates a premature translational stop signal (p.Gln559*) in the ADAR gene. It is expected to result in an absent or disrupted protein product. Loss-of-function variants in ADAR are known to be pathogenic (PMID: 22974014). This variant is not present in population databases (gnomAD no frequency). This variant has not been reported in the literature in individuals affected with ADAR-related conditions. ClinVar contains an entry for this variant (Variation ID: 499262). For these reasons, this variant has been classified as Pathogenic.

Eurofins Ntd Llc (ga)
Classification: Pathogenic. Last evaluated: 2017-01-24. Review status: criteria provided, single submitter. Criteria: EGL Classification Definitions 2015. Collection method: clinical testing. Allele origin: germline. Observed: 1 variant allele, 1 heterozygote.

Literature cited by the submitters: PubMed 22974014 (cited by Labcorp Genetics (formerly Invitae), Labcorp).

NM_001111.5(ADAR):c.1675C>T (p.Gln559Ter)

Gene: ADAR (adenosine deaminase RNA specific; minus strand). Cytogenetic location: 1q21.3.
Variant type: single nucleotide variant.
Coding change: c.1675C>T on transcript NM_001111.5 (MANE Select); coding-DNA position 1675, C replaced by T.
Protein change: p.Gln559Ter; replaces glutamine 559 with a stop codon.
Molecular consequence: nonsense.
Genome position (GRCh38, 1-based): chr1:154,598,512, G>A on the plus strand (C>T on the coding strand, the complement: ADAR is on the minus strand). VCF-style: chr1-154598512-G-A. GRCh37 (hg19) VCF-style: chr1-154570988-G-A.
Other names: c.1675C>T, p.Gln559Ter (NM_015841.4, NM_015840.4, LRG_1212t1); c.790C>T, p.Gln264Ter (NM_001025107.3, NM_001193495.2, NM_001365046.1 and 3 more transcripts); c.1702C>T, p.Gln568Ter (NM_001365045.1); short protein forms Q559*, Q264*, Q568*.
Identifiers: ClinVar variation 499262 (VCV000499262.7), dbSNP rs1553212090, ClinGen allele CA342639586.
Genomic context (GRCh38, chr1:154,598,512, plus strand): 5'-CACTGTCCTTGGCTTTGGCTTCCTCTAGCAGAATTGTCATGGCTTTCATAGCTGCATCCT[G>A]CTTGGCCACTTTCTTGCTTCCAGCTTCAGCTGGGGGAAACTCTCGGCCATTGATGACAAC-3'